The following is an entry in ClinVar:

ClinVar aggregate classification (germline): Likely benign (0 of 4 stars; one submission).

Conditions:
SRPRA-related disorder. Also called: SRPRA-related condition.

Allele frequency attached by ClinVar (database versions not stated): gnomAD 0.00001; TOPMed 0.00001; ESP Exome Variant Server 0.00008.
gnomAD v4.1: 1 of 1,613,750 alleles (0.000062%); highest among the groups gnomAD compares: African/African-American, 0.0013%; no homozygotes.

Submission:

PreventionGenetics, part of Exact Sciences
Classification: Likely benign for SRPRA-related condition. Last evaluated: 2021-06-17. Review status: no assertion criteria provided. Collection method: clinical testing. Allele origin: germline.
Comment: This variant is classified as likely benign based on ACMG/AMP sequence variant interpretation guidelines (Richards et al. 2015 PMID: 25741868, with internal and published modifications).

NM_003139.4(SRPRA):c.78C>T (p.Thr26=)

Gene: SRPRA (SRP receptor subunit alpha; minus strand). Cytogenetic location: 11q24.2.
Variant type: single nucleotide variant.
Coding change: c.78C>T on transcript NM_003139.4 (MANE Select); coding-DNA position 78, C replaced by T.
Protein change: p.Thr26=; no amino-acid change (threonine 26 retained).
Molecular consequence: synonymous variant.
Genome position (GRCh38, 1-based): chr11:126,268,727, G>A on the plus strand (C>T on the coding strand, the complement: SRPRA is on the minus strand). VCF-style: chr11-126268727-G-A. GRCh37 (hg19) VCF-style: chr11-126138622-G-A.
Other names: c.78C>T, p.Thr26= (NM_001177842.2).
Identifiers: ClinVar variation 3061484 (VCV003061484.2), dbSNP rs370637063, ClinGen allele CA230557254.